The following is an entry in ClinVar:

NM_024079.5(ALG8):c.1178+1G>T

Gene: ALG8 (ALG8 alpha-1,3-glucosyltransferase; minus strand). Cytogenetic location: 11q14.1.
Variant type: single nucleotide variant.
Coding change: c.1178+1G>T on transcript NM_024079.5 (MANE Select); the canonical splice donor site of the intron after coding-DNA position 1178, G replaced by T.
Molecular consequence: splice donor variant. On other transcripts: intron variant (2).
Genome position (GRCh38, 1-based): chr11:78,106,806, C>A on the plus strand (G>T on the coding strand, the complement: ALG8 is on the minus strand). VCF-style: chr11-78106806-C-A. GRCh37 (hg19) VCF-style: chr11-77817852-C-A.
Other names: c.914+1G>T (NM_001425234.1, NM_001425239.1); c.977+1G>T (NM_001425231.1); c.851+1G>T (NM_001425235.1); c.1025+1G>T (NM_001425226.1, NM_001425236.1); c.1163+1G>T (NM_001425220.1); c.662+1G>T (NM_001425241.1); c.686+1G>T (NM_001425240.1); c.623+1G>T (NM_001425242.1); and 10 more.
Identifiers: ClinVar variation 4715049 (VCV004715049.1).
Genomic context (GRCh38, chr11:78,106,806, plus strand): 5'-ATAGAAAATAGGATCATTGTGAAATATGCCAAAATGCTCACTGGCTGAGCTATCTGCTTA[C>A]CTCATTGGGAGAATTGCTAGAAGTATGGCTTTTTCATGAACATGCCACCCAAACATAAAG-3'

ClinVar aggregate classification (germline): Likely pathogenic (1 of 4 stars; one submission).

Conditions:
ALG8 congenital disorder of glycosylation. Also called: CONGENITAL DISORDER OF GLYCOSYLATION, TYPE Ih; CDG Ih; ALG8-CDG. Identifiers: Orphanet 79325, MedGen C2931002, MONDO:0011969, OMIM 608104.

Submission:

Labcorp Genetics (formerly Invitae), Labcorp
Classification: Likely pathogenic for ALG8 congenital disorder of glycosylation. Last evaluated: 2025-06-12. Review status: criteria provided, single submitter. Criteria: Invitae Variant Classification Sherloc (09022015). Collection method: clinical testing. Allele origin: germline.
Comment: This sequence change affects a donor splice site in intron 10 of the ALG8 gene. It is expected to disrupt RNA splicing. Variants that disrupt the donor or acceptor splice site typically lead to a loss of protein function (PMID: 16199547), and loss-of-function variants in ALG8 are known to be pathogenic (PMID: 19862844). This variant is not present in population databases (gnomAD no frequency). This variant has not been reported in the literature in individuals affected with ALG8-related conditions. Algorithms developed to predict the effect of sequence changes on RNA splicing suggest that this variant may disrupt the consensus splice site. In summary, the currently available evidence indicates that the variant is pathogenic, but additional data are needed to prove that conclusively. Therefore, this variant has been classified as Likely Pathogenic.

Literature cited by the submitters: PubMed 16199547; PubMed 19862844.